The following is an entry in ClinVar:

NM_000551.4(VHL):c.-55del

Gene: VHL (von Hippel-Lindau tumor suppressor; plus strand). Cytogenetic location: 3p25.3.
Variant type: Deletion.
Coding change: c.-55del on transcript NM_000551.4 (MANE Select); 55 bases upstream of the start codon, one base deleted (G; older notation c.-55delG).
Molecular consequence: 5 prime UTR variant.
Genome position (GRCh38, 1-based): chr3:10,141,793, G deleted. VCF-style (leftmost placement, unchanged base first): chr3-10141792-CG-C. GRCh37 (hg19) VCF-style: chr3-10183476-CG-C.
Other names: c.-55del (NM_001354723.2, NM_198156.3); c.-55delG (NM_000551.3).
Identifiers: ClinVar variation 560735 (VCV000560735.6), dbSNP rs1361905543, ClinGen allele CA541213486.

ClinVar aggregate classification (germline): Uncertain significance. Review status: criteria provided, multiple submitters, no conflicts (2 of 4 stars). 3 submissions from 3 submitters: Uncertain significance (3). Last evaluated 2025-11-09.

Conditions:
Von Hippel-Lindau syndrome (VHLS). Also called: von Hippel–Lindau syndrome; Von Hippel-Lindau; VHL syndrome. Identifiers: Orphanet 892, MedGen C0019562, MONDO:0008667, OMIM 193300. Disease mechanism: loss of function.
Chuvash polycythemia. Also called: POLYCYTHEMIA, VHL-DEPENDENT. Identifiers: Orphanet 238557, MedGen C1837915, MONDO:0009892, OMIM 263400.

Allele frequency attached by ClinVar (database versions not stated): gnomAD exomes below 0.00001; TOPMed 0.00003; gnomAD 0.00005 and 0.00006; 1000 Genomes Project 30x 0.00062.

Submissions (3):

Labcorp Genetics (formerly Invitae), Labcorp
Classification: Uncertain significance for Von Hippel-Lindau syndrome; Chuvash polycythemia. Last evaluated: 2025-11-09. Review status: criteria provided, single submitter. Criteria: Invitae Variant Classification Sherloc (09022015). Collection method: clinical testing. Allele origin: germline.
Comment: This variant occurs in a non-coding region of the VHL gene. It does not change the encoded amino acid sequence of the VHL protein. This variant is present in population databases (no rsID available, gnomAD 0.03%). This variant has not been reported in the literature in individuals affected with VHL-related conditions. ClinVar contains an entry for this variant (Variation ID: 560735). Experimental studies and prediction algorithms are not available or were not evaluated, and the functional significance of this variant is currently unknown. In summary, the available evidence is currently insufficient to determine the role of this variant in disease. Therefore, it has been classified as a Variant of Uncertain Significance.

All of Us Research Program, National Institutes of Health
Classification: Uncertain significance for Von Hippel-Lindau syndrome. Last evaluated: 2023-06-28. Review status: criteria provided, single submitter. Criteria: ACMG Guidelines, 2015. Collection method: clinical testing. Allele origin: germline. Inheritance: Autosomal dominant inheritance. Observed: 2 variant alleles, 2 heterozygotes.
Comment: This variant is located in the the 5' untranslated region of the VHL gene. To our knowledge, functional studies have not been reported for this variant. This variant has not been reported in individuals affected with VHL-related disorders in the literature. This variant has been identified in 3/31314 chromosomes in the general population by the Genome Aggregation Database (gnomAD). The available evidence is insufficient to determine the role of this variant in disease conclusively. Therefore, this variant is classified as a Variant of Uncertain Significance.

This study involves interpretation of variants in research participants for the purpose of population health screening. Participant phenotype was not available at the time of variant classification. Additional details can be found in publication PMID: 35346344, PMCID: PMC8962531

PreventionGenetics, part of Exact Sciences
Classification: Uncertain significance. Last evaluated: 2017-11-28. Review status: criteria provided, single submitter. Criteria: ACMG Guidelines, 2015. Collection method: clinical testing. Allele origin: germline.